The following is an entry in ClinVar:

ClinVar aggregate classification (germline): Benign/Likely benign. Review status: criteria provided, multiple submitters, no conflicts (2 of 4 stars). 3 submissions from 3 submitters: Benign (1); Likely benign (2). Last evaluated 2025-12-01.

Conditions:
MTR-related disorder. Also called: MTR-related condition.
Methylcobalamin deficiency type cblG (HMAG). Also called: HOMOCYSTINURIA-MEGALOBLASTIC ANEMIA DUE TO DEFECT IN COBALAMIN METABOLISM, cblG COMPLEMENTATION TYPE; HOMOCYSTINURIA-MEGALOBLASTIC ANEMIA, cblG TYPE; HOMOCYSTINURIA-MEGALOBLASTIC ANEMIA, cblG COMPLEMENTATION TYPE; Functional methionine synthase deficiency type cblG. Identifiers: Orphanet 2170, Orphanet 622, MedGen C1855128, MONDO:0009609, OMIM 250940.

Allele frequency attached by ClinVar (database versions not stated): gnomAD 0.00003 and 0.00004; gnomAD exomes 0.00008 and 0.00041; TOPMed 0.00020; ExAC 0.00031.
gnomAD v4.1: 125 of 1,608,974 alleles (0.0078%); highest among the groups gnomAD compares: Admixed American, 0.2%; no homozygotes.

Submissions (3):

Labcorp Genetics (formerly Invitae), Labcorp
Classification: Benign for Methylcobalamin deficiency type cblG. Last evaluated: 2025-12-01. Review status: criteria provided, single submitter. Criteria: Invitae Variant Classification Sherloc (09022015). Collection method: clinical testing. Allele origin: germline.

PreventionGenetics, part of Exact Sciences
Classification: Likely benign for MTR-related condition. Last evaluated: 2025-04-17. Review status: criteria provided, single submitter. Criteria: ACMG Guidelines, 2015. Collection method: clinical testing. Allele origin: germline.
Comment: This variant is classified as likely benign based on ACMG/AMP sequence variant interpretation guidelines (Richards et al. 2015 PMID: 25741868, with internal and published modifications).

GeneDx
Classification: Likely benign. Last evaluated: 2020-09-22. Review status: criteria provided, single submitter. Criteria: GeneDx Variant Classification Process June 2021. Collection method: clinical testing. Allele origin: germline. Affected: yes.

NM_000254.3(MTR):c.2703A>G (p.Leu901=)

Gene: MTR (5-methyltetrahydrofolate-homocysteine methyltransferase; plus strand). Cytogenetic location: 1q43.
Variant type: single nucleotide variant.
Coding change: c.2703A>G on transcript NM_000254.3 (MANE Select); coding-DNA position 2703, A replaced by G.
Protein change: p.Leu901=; no amino-acid change (leucine 901 retained).
Molecular consequence: synonymous variant.
Genome position (GRCh38, 1-based): chr1:236,885,147, A>G. VCF-style: chr1-236885147-A-G. GRCh37 (hg19) VCF-style: chr1-237048447-A-G.
Other names: c.2550A>G, p.Leu850= (NM_001291939.1); c.1482A>G, p.Leu494= (NM_001291940.2).
Identifiers: ClinVar variation 513245 (VCV000513245.14), dbSNP rs780615625, ClinGen allele CA1474491.